The following is an entry in ClinVar:

NM_001211.6(BUB1B):c.2896A>T (p.Lys966Ter)

Genes: BUB1B (BUB1 mitotic checkpoint serine/threonine kinase B; plus strand), BUB1B-PAK6 (BUB1B-PAK6 readthrough; plus strand). Cytogenetic location: 15q15.1.
Variant type: single nucleotide variant.
Coding change: c.2896A>T on transcript NM_001211.6 (MANE Select); coding-DNA position 2896, A replaced by T.
Protein change: p.Lys966Ter; replaces lysine 966 with a stop codon.
Molecular consequence: nonsense. On other transcripts: intron variant (2).
Genome position (GRCh38, 1-based): chr15:40,218,501, A>T. VCF-style: chr15-40218501-A-T. GRCh37 (hg19) VCF-style: chr15-40510702-A-T.
Other names: c.-201+834A>T (NM_001128628.3); c.-118+834A>T (NM_001128629.3); short protein forms K966*.
Identifiers: ClinVar variation 2820924 (VCV002820924.3), dbSNP rs2542587632, ClinGen allele CA391688274.

ClinVar aggregate classification (germline): Pathogenic (1 of 4 stars; one submission).

Conditions:
Mosaic variegated aneuploidy syndrome 1 (MVA1). Also called: Warburton-Anyane-Yeboa syndrome. Identifiers: Orphanet 1052, MedGen C1850343, MONDO:0009759, OMIM 257300.

Submission:

Labcorp Genetics (formerly Invitae), Labcorp
Classification: Pathogenic for Mosaic variegated aneuploidy syndrome 1. Last evaluated: 2022-12-15. Review status: criteria provided, single submitter. Criteria: Invitae Variant Classification Sherloc (09022015). Collection method: clinical testing. Allele origin: germline.
Comment: This sequence change creates a premature translational stop signal (p.Lys966*) in the BUB1B gene. It is expected to result in an absent or disrupted protein product. Loss-of-function variants in BUB1B are known to be pathogenic (PMID: 15475955, 21190457). This variant is not present in population databases (gnomAD no frequency). For these reasons, this variant has been classified as Pathogenic. Algorithms developed to predict the effect of sequence changes on RNA splicing suggest that this variant may disrupt the consensus splice site. This variant has not been reported in the literature in individuals affected with BUB1B-related conditions.

Literature cited by the submitters: PubMed 15475955; PubMed 21190457.